The following is an entry in ClinVar:

ClinVar aggregate classification (germline): Pathogenic (1 of 4 stars; one submission).

gnomAD v4.1: 8 of 1,613,766 alleles (0.0005%); highest among the groups gnomAD compares: Non-Finnish European, 0.00068%; no homozygotes.

Submission:

Labcorp Genetics (formerly Invitae), Labcorp
Classification: Pathogenic. Last evaluated: 2022-06-15. Review status: criteria provided, single submitter. Criteria: Invitae Variant Classification Sherloc (09022015). Collection method: clinical testing. Allele origin: germline.
Comment: For these reasons, this variant has been classified as Pathogenic. Algorithms developed to predict the effect of sequence changes on RNA splicing suggest that this variant may disrupt the consensus splice site. This variant has not been reported in the literature in individuals affected with SCP2-related conditions. This sequence change creates a premature translational stop signal (p.Ser228*) in the SCP2 gene. It is expected to result in an absent or disrupted protein product. Loss-of-function variants in SCP2 are known to be pathogenic (PMID: 16685654, 26497993). This variant is not present in population databases (gnomAD no frequency).

Literature cited by the submitters: PubMed 16685654; PubMed 26497993.

NM_002979.5(SCP2):c.683C>G (p.Ser228Ter)

Gene: SCP2 (sterol carrier protein 2; plus strand). Cytogenetic location: 1p32.3.
Variant type: single nucleotide variant.
Coding change: c.683C>G on transcript NM_002979.5 (MANE Select); coding-DNA position 683, C replaced by G.
Protein change: p.Ser228Ter; replaces serine 228 with a stop codon.
Molecular consequence: nonsense.
Genome position (GRCh38, 1-based): chr1:52,978,225, C>G. VCF-style: chr1-52978225-C-G. GRCh37 (hg19) VCF-style: chr1-53443897-C-G.
Other names: c.551C>G, p.Ser184Ter (NM_001007098.3, NM_001193600.2); c.611C>G, p.Ser204Ter (NM_001193599.2); c.440C>G, p.Ser147Ter (NM_001193617.2); c.683C>G, p.Ser228Ter (NM_001330587.2); short protein forms S147*, S228*, S184*, S204*.
Identifiers: ClinVar variation 1992758 (VCV001992758.4), dbSNP rs756891047, ClinGen allele CA22579700.